The following is an entry in ClinVar:

NM_005869.4(CWC27):c.1395G>A (p.Met465Ile)

Gene: CWC27 (CWC27 spliceosome associated cyclophilin; plus strand). Cytogenetic location: 5q12.3.
Variant type: single nucleotide variant.
Coding change: c.1395G>A on transcript NM_005869.4 (MANE Select); coding-DNA position 1395, G replaced by A.
Protein change: p.Met465Ile; replaces methionine 465 with isoleucine.
Molecular consequence: missense variant. On other transcripts: 3 prime UTR variant (1).
Genome position (GRCh38, 1-based): chr5:65,018,297, G>A. VCF-style: chr5-65018297-G-A. GRCh37 (hg19) VCF-style: chr5-64314124-G-A.
Other names: c.*115G>A (NM_001297644.1); short protein forms M465I.
Identifiers: ClinVar variation 2066760 (VCV002066760.4), dbSNP rs1176419157, ClinGen allele CA359962101.

ClinVar aggregate classification (germline): Uncertain significance (1 of 4 stars; one submission).

Allele frequency attached by ClinVar (database versions not stated): gnomAD exomes below 0.00001.
gnomAD v4.1: 1 of 1,594,848 alleles (0.000063%); highest among the groups gnomAD compares: African/African-American, 0.0014%; no homozygotes.

Submission:

Labcorp Genetics (formerly Invitae), Labcorp
Classification: Uncertain significance. Last evaluated: 2024-03-04. Review status: criteria provided, single submitter. Criteria: Invitae Variant Classification Sherloc (09022015). Collection method: clinical testing. Allele origin: germline.
Comment: This sequence change replaces methionine, which is neutral and non-polar, with isoleucine, which is neutral and non-polar, at codon 465 of the CWC27 protein (p.Met465Ile). This variant is present in population databases (no rsID available, gnomAD 0.007%). This variant has not been reported in the literature in individuals affected with CWC27-related conditions. ClinVar contains an entry for this variant (Variation ID: 2066760). An algorithm developed to predict the effect of missense changes on protein structure and function (PolyPhen-2) suggests that this variant is likely to be tolerated. In summary, the available evidence is currently insufficient to determine the role of this variant in disease. Therefore, it has been classified as a Variant of Uncertain Significance.